The following is an entry in ClinVar:

ClinVar aggregate classification (germline): Benign (1 of 4 stars; one submission).

Conditions:
Hypoparathyroidism, deafness, renal disease syndrome (HDRS). Also called: HYPOPARATHYROIDISM, SENSORINEURAL DEAFNESS, AND RENAL DYSPLASIA SYNDROME. Identifiers: Orphanet 2237, MedGen C1840333, MONDO:0007797, OMIM 146255.

Allele frequency attached by ClinVar (database versions not stated): gnomAD exomes 0.00073; 1000 Genomes Project 0.00280; 1000 Genomes Project 30x 0.00312; gnomAD 0.00401 and 0.00440; TOPMed 0.00415.
gnomAD v4.1: 663 of 233,380 alleles (0.28%); highest among the groups gnomAD compares: African/African-American, 1.4%; 3 homozygotes.

Submission:

Illumina Laboratory Services, Illumina
Classification: Benign for Hypoparathyroidism, deafness, renal disease syndrome. Last evaluated: 2018-01-13. Review status: criteria provided, single submitter. Criteria: ICSL Variant Classification Criteria 13 December 2019. Collection method: clinical testing. Allele origin: germline.
Comment: This variant was observed in the ICSL laboratory as part of a predisposition screen in an ostensibly healthy population. It had not been previously curated by ICSL or reported in the Human Gene Mutation Database (HGMD: prior to June 1st, 2018), and was therefore a candidate for classification through an automated scoring system. Utilizing variant allele frequency, disease prevalence and penetrance estimates, and inheritance mode, an automated score was calculated to assess if this variant is too frequent to cause the disease. Based on the score and internal cut-off values, a variant classified as benign is not then subjected to further curation. The score for this variant resulted in a classification of benign for this disease.

NM_001002295.2(GATA3):c.*987T>G

Gene: GATA3 (GATA binding protein 3; plus strand). Cytogenetic location: 10p14.
Variant type: single nucleotide variant.
Coding change: c.*987T>G on transcript NM_001002295.2 (MANE Select); 987 bases downstream of the stop codon, T replaced by G.
Molecular consequence: 3 prime UTR variant.
Genome position (GRCh38, 1-based): chr10:8,075,010, T>G. VCF-style: chr10-8075010-T-G. GRCh37 (hg19) VCF-style: chr10-8116973-T-G.
Other names: c.*987T>G (NM_002051.3).
Identifiers: ClinVar variation 879166 (VCV000879166.4), dbSNP rs183890714, ClinGen allele CA202465294.